The following is an entry in ClinVar:

NM_000195.5(HPS1):c.1124G>A (p.Trp375Ter)

Gene: HPS1 (HPS1 biogenesis of lysosomal organelles complex 3 subunit 1; minus strand). Cytogenetic location: 10q24.2.
Variant type: single nucleotide variant.
Coding change: c.1124G>A on transcript NM_000195.5 (MANE Select); coding-DNA position 1124, G replaced by A.
Protein change: p.Trp375Ter; replaces tryptophan 375 with a stop codon.
Molecular consequence: nonsense.
Genome position (GRCh38, 1-based): chr10:98,425,849, C>T on the plus strand (G>A on the coding strand, the complement: HPS1 is on the minus strand). VCF-style: chr10-98425849-C-T. GRCh37 (hg19) VCF-style: chr10-100185606-C-T.
Other names: c.1124G>A (NM_000195.4); c.152G>A, p.Trp51Ter (NM_001311345.2, NM_001322487.2, NM_001322489.2); c.1124G>A, p.Trp375Ter (NM_001322476.2, NM_001322477.2); c.1025G>A, p.Trp342Ter (NM_001322478.2, NM_001322479.2); c.863G>A, p.Trp288Ter (NM_001322480.2, NM_001322481.2); c.764G>A, p.Trp255Ter (NM_001322482.2); c.755G>A, p.Trp252Ter (NM_001322483.2, NM_001322484.2); c.656G>A, p.Trp219Ter (NM_001322485.2); short protein forms W51*, W288*, W375*, W219*, W252*, W255*, W342*.
Identifiers: ClinVar variation 1401877 (VCV001401877.9), dbSNP rs1845534948, ClinGen allele CA378048048.

ClinVar aggregate classification (germline): Pathogenic/Likely pathogenic. Review status: criteria provided, multiple submitters, no conflicts (2 of 4 stars). 3 submissions from 3 submitters: Pathogenic (2); Likely pathogenic (1). Last evaluated 2025-04-17.

Conditions:
Hermansky-Pudlak syndrome 1 (HPS1). Also called: DELTA STORAGE POOL DISEASE. Identifiers: Orphanet 231500, Orphanet 79430, MedGen C2931875, MONDO:0008748, OMIM 203300.
Hermansky-Pudlak syndrome (HPS). Also called: ALBINISM WITH HEMORRHAGIC DIATHESIS AND PIGMENTED RETICULOENDOTHELIAL CELLS. Identifiers: Orphanet 79430, MedGen C0079504, MONDO:0019312.

Allele frequency attached by ClinVar (database versions not stated): gnomAD exomes below 0.00001.
gnomAD v4.1: 2 of 1,614,006 alleles (0.00012%); highest among the groups gnomAD compares: Non-Finnish European, 0.00017%; no homozygotes.

Submissions (3):

Natera, Inc.
Classification: Likely pathogenic for Hermansky-Pudlak syndrome. Last evaluated: 2025-04-17. Review status: criteria provided, single submitter. Criteria: Natera Variant Classification Schema (03/2026). Collection method: clinical testing. Allele origin: germline.
Comment: The c.1124G>A variant in HPS1 is a nonsense variant predicted to introduce a stop codon at amino acid 375. This variant is expected to result in nonsense mediated decay, truncation, or a dysfunctional protein product. This variant is rare in the general population with a frequency below the threshold expected for the associated phenotype(s). Given the available evidence, this variant is classified as Likely Pathogenic.

Myriad Genetics, Inc.
Classification: Pathogenic for Hermansky-Pudlak syndrome 1. Last evaluated: 2024-09-22. Review status: criteria provided, single submitter. Criteria: Myriad Autosomal Dominant, Autosomal Recessive and X-Linked Classification Criteria (2023). Collection method: clinical testing. Allele origin: unknown.
Comment: NM_000195.3(HPS1):c.1124G>A(W375*) is expected to be pathogenic in the context of Hermansky-Pudlak syndrome, HPS1-related. This variant is predicted to lead to an abnormal or absent protein product due to the creation of a premature termination codon in HPS1, a gene where loss-of-function variants are known to be pathogenic. Please note: this variant was assessed in the context of healthy population screening.

Labcorp Genetics (formerly Invitae), Labcorp
Classification: Pathogenic. Last evaluated: 2023-02-05. Review status: criteria provided, single submitter. Criteria: Invitae Variant Classification Sherloc (09022015). Collection method: clinical testing. Allele origin: germline.
Comment: This variant has not been reported in the literature in individuals affected with HPS1-related conditions. For these reasons, this variant has been classified as Pathogenic. ClinVar contains an entry for this variant (Variation ID: 1401877). This variant is not present in population databases (gnomAD no frequency). This sequence change creates a premature translational stop signal (p.Trp375*) in the HPS1 gene. It is expected to result in an absent or disrupted protein product. Loss-of-function variants in HPS1 are known to be pathogenic (PMID: 12442288, 16185271).

Literature cited by the submitters: PubMed 12442288 (cited by Labcorp Genetics (formerly Invitae), Labcorp); PubMed 16185271 (cited by Labcorp Genetics (formerly Invitae), Labcorp).